The following is an entry in ClinVar:

ClinVar aggregate classification (germline): Uncertain significance (1 of 4 stars; one submission).

Submission:

Labcorp Genetics (formerly Invitae), Labcorp
Classification: Uncertain significance. Last evaluated: 2025-04-30. Review status: criteria provided, single submitter. Criteria: Invitae Variant Classification Sherloc (09022015). Collection method: clinical testing. Allele origin: germline.
Comment: This sequence change replaces aspartic acid, which is acidic and polar, with asparagine, which is neutral and polar, at codon 267 of the KLF11 protein (p.Asp267Asn). This variant is present in population databases (rs749614138, gnomAD 0.06%), and has an allele count higher than expected for a pathogenic variant. This variant has not been reported in the literature in individuals affected with KLF11-related conditions. An algorithm developed to predict the effect of missense changes on protein structure and function (PolyPhen-2) suggests that this variant is likely to be tolerated. In summary, the available evidence is currently insufficient to determine the role of this variant in disease. Therefore, it has been classified as a Variant of Uncertain Significance.

NM_003597.5(KLF11):c.799G>A (p.Asp267Asn)

Gene: KLF11 (KLF transcription factor 11; plus strand). Cytogenetic location: 2p25.1.
Variant type: single nucleotide variant.
Coding change: c.799G>A on transcript NM_003597.5 (MANE Select); coding-DNA position 799, G replaced by A.
Protein change: p.Asp267Asn; replaces aspartic acid 267 with asparagine.
Molecular consequence: missense variant.
Genome position (GRCh38, 1-based): chr2:10,048,136, G>A. VCF-style: chr2-10048136-G-A. GRCh37 (hg19) VCF-style: chr2-10188263-G-A.
Other names: c.748G>A, p.Asp250Asn (NM_001177716.2, NM_001177718.2); short protein forms D267N, D250N.
Identifiers: ClinVar variation 4726742 (VCV004726742.1).